The following is an entry in ClinVar:

ClinVar aggregate classification (germline): Uncertain significance (1 of 4 stars; one submission).

Allele frequency attached by ClinVar (database versions not stated): TOPMed below 0.00001; gnomAD exomes 0.00002.

Submission:

Labcorp Genetics (formerly Invitae), Labcorp
Classification: Uncertain significance. Last evaluated: 2023-08-17. Review status: criteria provided, single submitter. Criteria: Invitae Variant Classification Sherloc (09022015). Collection method: clinical testing. Allele origin: germline.
Comment: In summary, the available evidence is currently insufficient to determine the role of this variant in disease. Therefore, it has been classified as a Variant of Uncertain Significance. This sequence change replaces asparagine, which is neutral and polar, with serine, which is neutral and polar, at codon 254 of the SERPING1 protein (p.Asn254Ser). This variant is present in population databases (no rsID available, gnomAD 0.002%). This variant has not been reported in the literature in individuals affected with SERPING1-related conditions. Advanced modeling of protein sequence and biophysical properties (such as structural, functional, and spatial information, amino acid conservation, physicochemical variation, residue mobility, and thermodynamic stability) has been performed at Invitae for this missense variant, however the output from this modeling did not meet the statistical confidence thresholds required to predict the impact of this variant on SERPING1 protein function.

NM_000062.3(SERPING1):c.761A>G (p.Asn254Ser)

Gene: SERPING1 (serpin family G member 1; plus strand). Cytogenetic location: 11q12.1.
Variant type: single nucleotide variant.
Coding change: c.761A>G on transcript NM_000062.3 (MANE Select); coding-DNA position 761, A replaced by G.
Protein change: p.Asn254Ser; replaces asparagine 254 with serine.
Molecular consequence: missense variant.
Genome position (GRCh38, 1-based): chr11:57,606,085, A>G. VCF-style: chr11-57606085-A-G. GRCh37 (hg19) VCF-style: chr11-57373558-A-G.
Other names: c.761A>G, p.Asn254Ser (NM_001032295.2); short protein forms N254S.
Identifiers: ClinVar variation 2900272 (VCV002900272.3), dbSNP rs1338839404, ClinGen allele CA380699012.
Genomic context (GRCh38, chr11:57,606,085, plus strand): 5'-ACACCTTTGTGAATGCCTCTCGGACCCTGTACAGCAGCAGCCCCAGAGTCCTAAGCAACA[A>G]CAGTGACGCCAACTTGGAGCTCATCAACACCTGGGTGGCCAAGAACACCAACAACAAGAT-3'
Protein context (NP_000053.2, residues 244-264): YSSSPRVLSN[Asn254Ser]SDANLELINT